The following is an entry in ClinVar:

ClinVar aggregate classification (germline): Uncertain significance. Review status: criteria provided, single submitter (1 of 4 stars). 2 submissions from 2 submitters: Uncertain significance (1). 1 of the submissions does not count toward it. Last evaluated 2020-05-13.

Conditions:
SMARCB1-related schwannomatosis. Also called: SWNTS1; Schwannomatosis 1. Identifiers: Orphanet 93921, MedGen C4048809, MONDO:0024517, OMIM 162091. Disease mechanism: loss of function.

Submissions (2):

Labcorp Genetics (formerly Invitae), Labcorp
Classification: Uncertain significance. Last evaluated: 2020-05-13. Review status: criteria provided, single submitter. Criteria: Invitae Variant Classification Sherloc (09022015). Collection method: clinical testing. Allele origin: germline.
Comment: In summary, the available evidence is currently insufficient to determine the role of this variant in disease. Therefore, it has been classified as a Variant of Uncertain Significance. Algorithms developed to predict the effect of missense changes on protein structure and function (SIFT, PolyPhen-2, Align-GVGD) all suggest that this variant is likely to be disruptive, but these predictions have not been confirmed by published functional studies and their clinical significance is uncertain. This variant has been observed in individual(s) with schwannomas and/or meningiomas (PMID: 20930055, 22038540). It has also been observed to segregate with disease in related individuals. ClinVar contains an entry for this variant (Variation ID: 30202). This variant is not present in population databases (ExAC no frequency). This sequence change replaces proline with leucine at codon 48 of the SMARCB1 protein (p.Pro48Leu). The proline residue is highly conserved and there is a moderate physicochemical difference between proline and leucine.

OMIM
Classification: Pathogenic for SCHWANNOMATOSIS 1. Last evaluated: 2012-02-01. Review status: no assertion criteria provided. Collection method: literature only. Allele origin: unknown. Not counted in ClinVar's aggregate classification.

Literature cited by the submitters: PubMed 20930055 (cited by Labcorp Genetics (formerly Invitae), Labcorp and OMIM); PubMed 22038540 (cited by Labcorp Genetics (formerly Invitae), Labcorp and OMIM).

NM_003073.5(SMARCB1):c.143C>T (p.Pro48Leu)

Gene: SMARCB1 (SWI/SNF related BAF chromatin remodeling complex subunit B1; plus strand). Cytogenetic location: 22q11.23.
Variant type: single nucleotide variant.
Coding change: c.143C>T on transcript NM_003073.5 (MANE Select); coding-DNA position 143, C replaced by T.
Protein change: p.Pro48Leu; replaces proline 48 with leucine.
Molecular consequence: missense variant.
Genome position (GRCh38, 1-based): chr22:23,791,805, C>T. VCF-style: chr22-23791805-C-T. GRCh37 (hg19) VCF-style: chr22-24133992-C-T.
Other names: c.143C>T, p.Pro48Leu (NM_001007468.3, NM_001317946.2, NM_001362877.2); short protein forms P48L.
Identifiers: ClinVar variation 30202 (VCV000030202.10), dbSNP rs387906811, ClinGen allele CA129018.